The following is an entry in ClinVar:

ClinVar aggregate classification (germline): Uncertain significance (1 of 4 stars; one submission).

gnomAD v4.1: 1 of 1,614,222 alleles (0.000062%); highest among the groups gnomAD compares: Non-Finnish European, 0.000085%; no homozygotes.

Submission:

Labcorp Genetics (formerly Invitae), Labcorp
Classification: Uncertain significance. Last evaluated: 2022-02-08. Review status: criteria provided, single submitter. Criteria: Invitae Variant Classification Sherloc (09022015). Collection method: clinical testing. Allele origin: germline.
Comment: In summary, the available evidence is currently insufficient to determine the role of this variant in disease. Therefore, it has been classified as a Variant of Uncertain Significance. Algorithms developed to predict the effect of missense changes on protein structure and function are either unavailable or do not agree on the potential impact of this missense change (SIFT: "Deleterious"; PolyPhen-2: "Benign"; Align-GVGD: "Class C0"). ClinVar contains an entry for this variant (Variation ID: 1035610). This variant has not been reported in the literature in individuals affected with TRPM1-related conditions. This variant is not present in population databases (gnomAD no frequency). This sequence change replaces glutamine, which is neutral and polar, with proline, which is neutral and non-polar, at codon 1261 of the TRPM1 protein (p.Gln1261Pro).

NM_001252024.2(TRPM1):c.3848A>C (p.Gln1283Pro)

Gene: TRPM1 (transient receptor potential cation channel subfamily M member 1; minus strand). Cytogenetic location: 15q13.3.
Variant type: single nucleotide variant.
Coding change: c.3848A>C on transcript NM_001252024.2 (MANE Select); coding-DNA position 3848, A replaced by C.
Protein change: p.Gln1283Pro; replaces glutamine 1283 with proline.
Molecular consequence: missense variant.
Genome position (GRCh38, 1-based): chr15:31,002,852, T>G on the plus strand (A>C on the coding strand, the complement: TRPM1 is on the minus strand). VCF-style: chr15-31002852-T-G. GRCh37 (hg19) VCF-style: chr15-31295055-T-G.
Other names: c.3899A>C, p.Gln1300Pro (NM_001252020.2); c.3782A>C, p.Gln1261Pro (NM_002420.6); short protein forms Q1300P, Q1261P, Q1283P.
Identifiers: ClinVar variation 1035610 (VCV001035610.8), dbSNP rs2031838852, ClinGen allele CA391530976.